The following is an entry in ClinVar:

ClinVar aggregate classification (germline): Benign. Review status: criteria provided, multiple submitters, no conflicts (2 of 4 stars). 4 submissions from 3 submitters: Benign (4). Last evaluated 2021-07-15.

Conditions:
Joubert syndrome 18 (JBTS18). Identifiers: Orphanet 2754, MedGen C3553758, MONDO:0013896, OMIM 614815.
Orofacial-digital syndrome IV (OFD4). Also called: Orofaciodigital syndrome IV; BARAITSER-BURN SYNDROME; OFD SYNDROME WITH TIBIAL DEFECTS; OFD SYNDROME, BARAITSER-BURN TYPE; OFDS IV; ORAL-FACIAL-DIGITAL SYNDROME, TYPE IV. Identifiers: Orphanet 2753, MedGen C0406727, MONDO:0009794, OMIM 258860.

Allele frequency attached by ClinVar (database versions not stated): 1000 Genomes Project 0.19469; 1000 Genomes Project 30x 0.20128; ESP Exome Variant Server 0.26595; gnomAD 0.26815 and 0.27142; TOPMed 0.27128; ExAC 0.29136; gnomAD exomes 0.29967 and 0.32528.

Submissions (4):

Genome-Nilou Lab
Classification: Benign for Joubert syndrome 18. Last evaluated: 2021-07-15. Review status: criteria provided, single submitter. Criteria: ACMG Guidelines, 2015. Collection method: clinical testing. Allele origin: germline. Affected: no.

Genome-Nilou Lab
Classification: Benign for Orofacial-digital syndrome IV. Last evaluated: 2021-07-15. Review status: criteria provided, single submitter. Criteria: ACMG Guidelines, 2015. Collection method: clinical testing. Allele origin: germline. Affected: no.

GeneDx
Classification: Benign. Last evaluated: 2018-06-14. Review status: criteria provided, single submitter. Criteria: GeneDx Variant Classification (06012015). Collection method: clinical testing. Allele origin: germline. Affected: yes.
Comment: This variant is considered likely benign or benign based on one or more of the following criteria: it is a conservative change, it occurs at a poorly conserved position in the protein, it is predicted to be benign by multiple in silico algorithms, and/or has population frequency not consistent with disease.

Breakthrough Genomics
Classification: Benign. Review status: criteria provided, single submitter. Criteria: ACMG Guidelines, 2015. Collection method: not provided. Allele origin: germline. Inheritance: Autosomal recessive inheritance. Affected: yes.

NM_015631.6(TCTN3):c.1204-43T>C

Gene: TCTN3 (tectonic family member 3; minus strand). Cytogenetic location: 10q24.1.
Variant type: single nucleotide variant.
Coding change: c.1204-43T>C on transcript NM_015631.6 (MANE Select); 43 bases into the intron before coding-DNA position 1204, T replaced by C.
Molecular consequence: intron variant.
Genome position (GRCh38, 1-based): chr10:95,683,238, A>G on the plus strand (T>C on the coding strand, the complement: TCTN3 is on the minus strand). VCF-style: chr10-95683238-A-G. GRCh37 (hg19) VCF-style: chr10-97442995-A-G.
Other names: c.760-43T>C (NM_001143973.2).
Identifiers: ClinVar variation 674960 (VCV000674960.4), dbSNP rs17461546, ClinGen allele CA5620906.